The following is an entry in ClinVar:

NM_174934.4(SCN4B):c.194A>T (p.His65Leu)

Gene: SCN4B (sodium voltage-gated channel beta subunit 4; minus strand). Cytogenetic location: 11q23.3.
Variant type: single nucleotide variant.
Coding change: c.194A>T on transcript NM_174934.4 (MANE Select); coding-DNA position 194, A replaced by T.
Protein change: p.His65Leu; replaces histidine 65 with leucine.
Molecular consequence: missense variant. On other transcripts: 5 prime UTR variant (1), non-coding transcript variant (1), intron variant (1).
Genome position (GRCh38, 1-based): chr11:118,145,097, T>A on the plus strand (A>T on the coding strand, the complement: SCN4B is on the minus strand). VCF-style: chr11-118145097-T-A. GRCh37 (hg19) VCF-style: chr11-118015812-T-A.
Other names: p.H65L:CAC>CTC; c.-137A>T (NM_001142349.2); c.62-3761A>T (NM_001142348.2); short protein forms H65L.
Identifiers: ClinVar variation 190891 (VCV000190891.21), dbSNP rs112363898, ClinGen allele CA235713.

ClinVar aggregate classification (germline): Conflicting classifications of pathogenicity. Review status: criteria provided, conflicting classifications (1 of 4 stars). 5 submissions from 5 submitters: Uncertain significance (1); Likely benign (4). Last evaluated 2025-12-10.

Conditions:
Cardiovascular phenotype. Identifiers: MedGen CN230736.
Long QT syndrome 10 (LQT10). Identifiers: Orphanet 101016, Orphanet 768, MedGen C2678484, MONDO:0012737, OMIM 611819.

Allele frequency attached by ClinVar (database versions not stated): TOPMed 0.00019; gnomAD exomes 0.00021; ExAC 0.00024; gnomAD 0.00025.
gnomAD v4.1: 318 of 1,613,998 alleles (0.02%); highest among the groups gnomAD compares: Middle Eastern, 0.12%; 1 homozygote.

Submissions (5):

Labcorp Genetics (formerly Invitae), Labcorp
Classification: Likely benign for Long QT syndrome 10. Last evaluated: 2025-12-10. Review status: criteria provided, single submitter. Criteria: Invitae Variant Classification Sherloc (09022015). Collection method: clinical testing. Allele origin: germline.

Women's Health and Genetics/Laboratory Corporation of America, LabCorp
Classification: Likely benign. Last evaluated: 2025-10-21. Review status: criteria provided, single submitter. Criteria: LabCorp Variant Classification Summary - May 2015. Collection method: clinical testing. Allele origin: germline.
Comment: Variant summary: SCN4B c.194A>T (p.His65Leu) results in a non-conservative amino acid change in the encoded protein sequence. Algorithms developed to predict the effect of missense changes on protein structure and function are either unavailable or do not agree on the potential impact of this missense change. The variant allele was found at a frequency of 0.00021 in 251480 control chromosomes. The observed variant frequency exceeds the estimated maximal expected allele frequency for disease-causing variants in SCN4B. To our knowledge, no occurrence of c.194A>T in individuals affected with SCN4B-related conditions and no experimental evidence demonstrating its impact on protein function have been reported. ClinVar contains an entry for this variant (Variation ID: 190891). Based on the evidence outlined above, the variant was classified as likely benign.

Ambry Genetics
Classification: Likely benign for Cardiovascular phenotype. Last evaluated: 2019-04-22. Review status: criteria provided, single submitter. Criteria: Ambry Variant Classification Scheme 2023. Collection method: clinical testing. Allele origin: germline.

GeneDx
Classification: Likely benign. Last evaluated: 2018-06-04. Review status: criteria provided, single submitter. Criteria: GeneDx Variant Classification Process June 2021. Collection method: clinical testing. Allele origin: germline. Affected: yes.
Comment: This variant is associated with the following publications: (PMID: 23861362, 30847666)

Biesecker Lab/Clinical Genomics Section, National Institutes of Health
Classification: Uncertain significance. Last evaluated: 2013-06-24. Review status: criteria provided, single submitter. Criteria: Ng et al. (Circ Cardiovasc Genet. 2013). Collection method: research. Allele origin: unknown. Observed: 3 variant alleles. Study: ClinSeq.
Comment: The study set was not selected for affection status in relation to any cancer. Pathogenicity categories were based on literature curation. See Pubmed ID:23861362 for details.

Medical sequencing